The following is an entry in ClinVar:

ClinVar aggregate classification (germline): Uncertain significance (1 of 4 stars; one submission).

Conditions:
Familial adenomatous polyposis 1 (FAP1). Also called: FAMILIAL ADENOMATOUS POLYPOSIS 1, ATTENUATED; POLYPOSIS, ADENOMATOUS INTESTINAL. Identifiers: MedGen C2713442, MONDO:0021056, OMIM 175100. Disease mechanism: loss of function.

Submission:

Labcorp Genetics (formerly Invitae), Labcorp
Classification: Uncertain significance for Familial adenomatous polyposis 1. Last evaluated: 2022-09-17. Review status: criteria provided, single submitter. Criteria: Invitae Variant Classification Sherloc (09022015). Collection method: clinical testing. Allele origin: germline.
Comment: In summary, the available evidence is currently insufficient to determine the role of this variant in disease. Therefore, it has been classified as a Variant of Uncertain Significance. Experimental studies and prediction algorithms are not available or were not evaluated, and the functional significance of this variant is currently unknown. This variant has not been reported in the literature in individuals affected with APC-related conditions. This variant is not present in population databases (gnomAD no frequency). This variant occurs in a non-coding region of the APC gene. It does not change the encoded amino acid sequence of the APC protein.

NM_001127511.3(APC):c.-219C>A

Genes: APC (APC regulator of Wnt signaling pathway; plus strand), LOC129994371 (ATAC-STARR-seq lymphoblastoid active region 22910; plus strand). Cytogenetic location: 5q22.2.
Variant type: single nucleotide variant.
Coding change: c.-219C>A on transcript NM_001127511.3; 219 bases upstream of the start codon, C replaced by A.
Molecular consequence: 5 prime UTR variant. On other transcripts: non-coding transcript variant (2).
Genome position (GRCh38, 1-based): chr5:112,707,499, C>A. VCF-style: chr5-112707499-C-A. GRCh37 (hg19) VCF-style: chr5-112043196-C-A.
Other names: c.-402C>A (NM_001354895.2, NM_001407447.1, NM_001407452.1 and 3 more transcripts); c.-219C>A (NM_001354897.2, NM_001354902.2, NM_001407446.1); c.-169C>A (NM_001407448.1, NM_001407450.1, NM_001407457.1 and 1 more transcripts); c.-193C>A (NM_001407453.1); c.-1437C>A (NM_001407470.1, NM_001407472.1).
Identifiers: ClinVar variation 2417404 (VCV002417404.42), dbSNP rs1178835678, ClinGen allele CA2580072263.